The following is an entry in ClinVar:

ClinVar aggregate classification (germline): Uncertain significance (1 of 4 stars; one submission).

Conditions:
Wilson disease (WND). Also called: Wilson's disease. Identifiers: Orphanet 905, MedGen C0019202, MONDO:0010200, OMIM 277900. Disease mechanism: loss of function.

Submission:

All of Us Research Program, National Institutes of Health
Classification: Uncertain significance for Wilson disease. Last evaluated: 2023-07-10. Review status: criteria provided, single submitter. Criteria: ACMG Guidelines, 2015. Collection method: clinical testing. Allele origin: germline. Inheritance: Autosomal recessive inheritance. Observed: 1 variant allele, 1 heterozygote.
Comment: This missense variant replaces valine with alanine at codon 1307 of the ATP7B protein. Computational prediction suggests that this variant may have deleterious impact on protein structure and function (internally defined REVEL score threshold >= 0.7, PMID: 27666373). To our knowledge, functional studies have not been reported for this variant. This variant has not been reported in individuals affected with ATP7B-related disorders in the literature. This variant has not been identified in the general population by the Genome Aggregation Database (gnomAD). The available evidence is insufficient to determine the role of this variant in disease conclusively. Therefore, this variant is classified as a Variant of Uncertain Significance.

This study involves interpretation of variants in research participants for the purpose of population health screening. Participant phenotype was not available at the time of variant classification. Additional details can be found in publication PMID: 35346344, PMCID: PMC8962531

NM_000053.4(ATP7B):c.3920T>C (p.Val1307Ala)

Gene: ATP7B (ATPase copper transporting beta; minus strand). Cytogenetic location: 13q14.3.
Variant type: single nucleotide variant.
Coding change: c.3920T>C on transcript NM_000053.4 (MANE Select); coding-DNA position 3920, T replaced by C.
Protein change: p.Val1307Ala; replaces valine 1307 with alanine.
Molecular consequence: missense variant.
Genome position (GRCh38, 1-based): chr13:51,937,377, A>G on the plus strand (T>C on the coding strand, the complement: ATP7B is on the minus strand). VCF-style: chr13-51937377-A-G. GRCh37 (hg19) VCF-style: chr13-52511513-A-G.
Other names: c.3686T>C, p.Val1229Ala (NM_001406528.1, NM_001406527.1, NM_001330578.2); c.3680T>C, p.Val1227Ala (NM_001406530.1); c.3668T>C, p.Val1223Ala (NM_001406531.1, NM_001406532.1, NM_001330579.2); c.3632T>C, p.Val1211Ala (NM_001406534.1); c.3590T>C, p.Val1197Ala (NM_001406535.1, NM_001406536.1); c.3581T>C, p.Val1194Ala (NM_001406537.1); c.3542T>C, p.Val1181Ala (NM_001406538.1); c.3491T>C, p.Val1164Ala (NM_001406539.1); and 21 more; short protein forms V1026A, V1080A, V1091A, V1100A, V1113A, V1143A, V1145A, V1158A.
Identifiers: ClinVar variation 3072389 (VCV003072389.1), dbSNP rs2547565374, ClinGen allele CA388021212.